The following is an entry in ClinVar:

ClinVar aggregate classification (germline): Likely pathogenic. Review status: reviewed by expert panel (3 of 4 stars). 6 submissions from 6 submitters: Likely pathogenic (1). 5 of the submissions do not count toward it. Last evaluated 2023-03-16.

Conditions:
Phenylketonuria (PKU). Also called: Phenylketonuria (PKU); FOLLING DISEASE; OLIGOPHRENIA PHENYLPYRUVICA; Phenylketonurias. Identifiers: Orphanet 716, MedGen C0031485, MONDO:0009861, OMIM 261600. Disease mechanism: loss of function.

Submissions (6):

ClinGen PAH Variant Curation Expert Panel
Classification: Likely pathogenic for Phenylketonuria. Last evaluated: 2023-03-16. Review status: reviewed by expert panel. Criteria: ClinGen PAH ACMG Specifications v1. Collection method: curation. Allele origin: germline. Inheritance: Autosomal recessive inheritance.
Comment: The c.205C>T (p.Pro69Ser) variant in PAH has been reported in at least two individuals with PKU without specified Phe levels, including at least one for whom BH4 deficiency has been excluded (PMID: 15503242, PMID: 32668217, PMID: 26503515). p.Pro69Ser has been detected at least twice with p.Arg261Gln, which is classified pathogenic by PAH VCEP, but without documentation of parental testing to establish phase. In-vitro studies show reduced enzyme activity, but not below the PAH VCEP cutoff of 50% (PMID: 16253218). p.Pro69Ser is absent from population databases. Multiple lines of computational evidence yield inconsistent predictions regarding the impact of this substitution. In summary, this variant meets criteria to be classified as likely pathogenic. PAH-specific ACMG/AMP criteria applied: PP4_Moderate, PM2, PM3.

Women's Health and Genetics/Laboratory Corporation of America, LabCorp
Classification: Likely pathogenic for Phenylketonuria. Last evaluated: 2025-09-10. Review status: criteria provided, single submitter. Criteria: LabCorp Variant Classification Summary - May 2015. Collection method: clinical testing. Allele origin: germline. Not counted in ClinVar's aggregate classification.
Comment: Variant summary: PAH c.205C>T (p.Pro69Ser) results in a non-conservative amino acid change in the encoded protein sequence. Algorithms developed to predict the effect of missense changes on protein structure and function all suggest that this variant is likely to be disruptive. The variant was absent in 251332 control chromosomes (gnomAD). c.205C>T has been observed in individuals affected with Phenylalanine Hydroxylase Deficiency (Phenylketonuria)(e.g., Kim_2006, Hillert_2020, Bonfim-Freitas_2023, Zeng_2023). These data indicate that the variant is likely to be associated with disease. Publications report experimental evidence evaluating an impact on protein function, finding that the variant effect results in >50%-90% of normal activity (e.g., Kim_2006, Bonfim-Freitas_2023). The following publications have been ascertained in the context of this evaluation (PMID: 15503242, 16253218, 32668217, 37421234, 36845377). ClinVar contains an entry for this variant (Variation ID: 102628). Based on the evidence outlined above, the variant was classified as likely pathogenic.

Natera, Inc.
Classification: Likely pathogenic for Phenylketonuria. Last evaluated: 2025-08-23. Review status: criteria provided, single submitter. Criteria: Natera Variant Classification Schema (03/2026). Collection method: clinical testing. Allele origin: germline. Not counted in ClinVar's aggregate classification.
Comment: The c.205C>T variant in PAH is a missense variant predicted to cause substitution of proline to serine at amino acid 69. This variant is rare in the general population with a frequency below the threshold expected for the associated phenotype(s). This variant has been observed in one or more individuals affected with the associated recessive disease, as either homozygous or compound heterozygous with a second variant (PMID: 15503242, 32668217, 36845377). This variant is located in a functionally critical region of the protein. Computational prediction algorithms indicate this variant is likely to affect gene or protein function. Given the available evidence, this variant is classified as Likely Pathogenic.

Myriad Genetics, Inc.
Classification: Likely pathogenic for Phenylketonuria. Last evaluated: 2025-08-06. Review status: criteria provided, single submitter. Criteria: Myriad Autosomal Dominant, Autosomal Recessive and X-Linked Classification Criteria (2023). Collection method: clinical testing. Allele origin: unknown. Not counted in ClinVar's aggregate classification.
Comment: NM_000277.1(PAH):c.205C>T(P69S) is a missense variant classified as likely pathogenic in the context of phenylalanine hydroxylase deficiency. P69S has been observed in cases with relevant disease (PMID: 36845377, 37421234, 32668217, 26503515, 15503242, Li_2024_(article)). Relevant functional assessments of this variant are available in the literature (PMID: 16253218). P69S has not been observed in referenced population frequency databases. In summary, NM_000277.1(PAH):c.205C>T(P69S) is a missense variant that has been observed more frequently in cases with the relevant disease than in healthy populations. Please note: this variant was assessed in the context of healthy population screening.

Labcorp Genetics (formerly Invitae), Labcorp
Classification: Likely pathogenic for Phenylketonuria. Last evaluated: 2023-06-22. Review status: criteria provided, single submitter. Criteria: Invitae Variant Classification Sherloc (09022015). Collection method: clinical testing. Allele origin: germline. Not counted in ClinVar's aggregate classification.
Comment: This variant disrupts the p.Pro69 amino acid residue in PAH. Other variant(s) that disrupt this residue have been observed in individuals with PAH-related conditions (PMID: 33803550), which suggests that this may be a clinically significant amino acid residue. Experimental studies are conflicting or provide insufficient evidence to determine the effect of this variant on PAH function (PMID: 16253218, 17924342). Advanced modeling of protein sequence and biophysical properties (such as structural, functional, and spatial information, amino acid conservation, physicochemical variation, residue mobility, and thermodynamic stability) performed at Invitae indicates that this missense variant is not expected to disrupt PAH protein function. In summary, the currently available evidence indicates that the variant is pathogenic, but additional data are needed to prove that conclusively. Therefore, this variant has been classified as Likely Pathogenic. ClinVar contains an entry for this variant (Variation ID: 102628). This sequence change replaces proline, which is neutral and non-polar, with serine, which is neutral and polar, at codon 69 of the PAH protein (p.Pro69Ser). This missense change has been observed in individual(s) with hyperphenylalaninemia (PMID: 15503242, 26503515, 32668217; Invitae). In at least one individual the data is consistent with being in trans (on the opposite chromosome) from a pathogenic variant. This variant is not present in population databases (gnomAD no frequency).

DeBelle Laboratory for Biochemical Genetics, MUHC/MCH RESEARCH INSTITUTE
No classification provided. Review status: no classification provided. Collection method: not provided. Allele origin: not provided. Not counted in ClinVar's aggregate classification.

Literature cited by the submitters: PubMed 15503242 (cited by 3 submitters); PubMed 32668217 (cited by 3 submitters); PubMed 36845377 (cited by Women's Health and Genetics/Laboratory Corporation of America, LabCorp and Natera, Inc.); PubMed 37421234 (cited by Women's Health and Genetics/Laboratory Corporation of America, LabCorp); PubMed 16253218 (cited by 3 submitters); PubMed 33803550 (cited by Labcorp Genetics (formerly Invitae), Labcorp); PubMed 17924342 (cited by Labcorp Genetics (formerly Invitae), Labcorp); PubMed 26503515 (cited by Labcorp Genetics (formerly Invitae), Labcorp).

NM_000277.3(PAH):c.205C>T (p.Pro69Ser)

Gene: PAH (phenylalanine hydroxylase; minus strand). Cytogenetic location: 12q23.2.
Variant type: single nucleotide variant.
Coding change: c.205C>T on transcript NM_000277.3 (MANE Select); coding-DNA position 205, C replaced by T.
Protein change: p.Pro69Ser; replaces proline 69 with serine.
Molecular consequence: missense variant.
Genome position (GRCh38, 1-based): chr12:102,894,882, G>A on the plus strand (C>T on the coding strand, the complement: PAH is on the minus strand). VCF-style: chr12-102894882-G-A. GRCh37 (hg19) VCF-style: chr12-103288660-G-A.
Other names: NM_000277.3(PAH):c.205C>T; p.Pro69Ser; c.205C>T, p.Pro69Ser (NM_001354304.2); c.205C>T (NM_000277.2); short protein forms P69S.
Identifiers: ClinVar variation 102628 (VCV000102628.9), dbSNP rs199475678, ClinGen allele CA229486.